The following is an entry in ClinVar:

NM_004519.4(KCNQ3):c.1034C>T (p.Ala345Val)

Gene: KCNQ3 (potassium voltage-gated channel subfamily Q member 3; minus strand). Cytogenetic location: 8q24.22.
Variant type: single nucleotide variant.
Coding change: c.1034C>T on transcript NM_004519.4 (MANE Select); coding-DNA position 1034, C replaced by T.
Protein change: p.Ala345Val; replaces alanine 345 with valine.
Molecular consequence: missense variant.
Genome position (GRCh38, 1-based): chr8:132,174,249, G>A on the plus strand (C>T on the coding strand, the complement: KCNQ3 is on the minus strand). VCF-style: chr8-132174249-G-A. GRCh37 (hg19) VCF-style: chr8-133186496-G-A.
Other names: c.674C>T, p.Ala225Val (NM_001204824.2); short protein forms A225V, A345V.
Identifiers: ClinVar variation 1519608 (VCV001519608.8), dbSNP rs2130128064, ClinGen allele CA372290058.

ClinVar aggregate classification (germline): Uncertain significance (1 of 4 stars; one submission).

Conditions:
Benign neonatal seizures. Also called: Benign neonatal familial convulsions; Benign familial neonatal seizures; Convulsions benign familial neonatal dominant form; Autosomal dominant form of benign neonatal seizures; Benign familial neonatal epilepsy. Identifiers: Orphanet 1949, MedGen C0220669, MONDO:0016027.

Allele frequency attached by ClinVar (database versions not stated): gnomAD exomes below 0.00001.
gnomAD v4.1: 1 of 1,550,826 alleles (0.000064%); highest among the groups gnomAD compares: Non-Finnish European, 0.000087%; no homozygotes.

Submission:

Labcorp Genetics (formerly Invitae), Labcorp
Classification: Uncertain significance for Benign neonatal seizures. Last evaluated: 2021-09-15. Review status: criteria provided, single submitter. Criteria: Invitae Variant Classification Sherloc (09022015). Collection method: clinical testing. Allele origin: germline.
Comment: In summary, the available evidence is currently insufficient to determine the role of this variant in disease. Therefore, it has been classified as a Variant of Uncertain Significance. Advanced modeling of protein sequence and biophysical properties (such as structural, functional, and spatial information, amino acid conservation, physicochemical variation, residue mobility, and thermodynamic stability) performed at Invitae indicates that this missense variant is expected to disrupt KCNQ3 protein function. This variant has not been reported in the literature in individuals with KCNQ3-related conditions. This variant is not present in population databases (ExAC no frequency). This sequence change replaces alanine with valine at codon 345 of the KCNQ3 protein (p.Ala345Val). The alanine residue is highly conserved and there is a small physicochemical difference between alanine and valine.